The following is an entry in ClinVar:

ClinVar aggregate classification (germline): Uncertain significance. Review status: criteria provided, multiple submitters, no conflicts (2 of 4 stars). 5 submissions from 5 submitters: Uncertain significance (5). Last evaluated 2024-07-30.

Conditions:
Hereditary nonpolyposis colorectal neoplasms. Identifiers: MedGen C0009405, MeSH D003123.
Hereditary cancer-predisposing syndrome. Also called: Tumor predisposition; Hereditary neoplastic syndrome; Neoplastic Syndromes, Hereditary; Hereditary Cancer Syndrome. Identifiers: Orphanet 140162, MedGen C0027672, MeSH D009386, MONDO:0015356.
Lynch syndrome. Identifiers: Orphanet 144, MedGen C4552100, MONDO:0005835. Disease mechanism: loss of function.

Submissions (5):

Ambry Genetics
Classification: Uncertain significance for Hereditary cancer-predisposing syndrome. Last evaluated: 2024-07-30. Review status: criteria provided, single submitter. Criteria: Ambry Variant Classification Scheme 2023. Collection method: clinical testing. Allele origin: germline.

All of Us Research Program, National Institutes of Health
Classification: Uncertain significance for Lynch syndrome. Last evaluated: 2024-06-09. Review status: criteria provided, single submitter. Criteria: ACMG Guidelines, 2015. Collection method: clinical testing. Allele origin: germline. Inheritance: Autosomal dominant inheritance. Observed: 1 variant allele, 1 heterozygote.
Comment: This missense variant replaces serine with asparagine at codon 258 of the PMS2 protein. Computational prediction suggests that this variant may not impact protein structure and function (internally defined REVEL score threshold <= 0.5, PMID: 27666373). To our knowledge, functional studies have not been reported for this variant. This variant has not been reported in individuals affected with PMS2-related disorders in the literature. This variant has not been identified in the general population by the Genome Aggregation Database (gnomAD). The available evidence is insufficient to determine the role of this variant in disease conclusively. Therefore, this variant is classified as a Variant of Uncertain Significance.

This study involves interpretation of variants in research participants for the purpose of population health screening. Participant phenotype was not available at the time of variant classification. Additional details can be found in publication PMID: 35346344, PMCID: PMC8962531

Color Diagnostics, LLC DBA Color Health
Classification: Uncertain significance for Hereditary cancer-predisposing syndrome. Last evaluated: 2024-05-29. Review status: criteria provided, single submitter. Criteria: ACMG Guidelines, 2015. Collection method: clinical testing. Allele origin: germline.
Comment: This missense variant replaces serine with asparagine at codon 258 of the PMS2 protein. Computational prediction suggests that this variant may not impact protein structure and function (internally defined REVEL score threshold <= 0.5, PMID: 27666373). To our knowledge, functional studies have not been reported for this variant. This variant has not been reported in individuals affected with PMS2-related disorders in the literature. This variant has not been identified in the general population by the Genome Aggregation Database (gnomAD). The available evidence is insufficient to determine the role of this variant in disease conclusively. Therefore, this variant is classified as a Variant of Uncertain Significance.

Labcorp Genetics (formerly Invitae), Labcorp
Classification: Uncertain significance for Hereditary nonpolyposis colorectal neoplasms. Last evaluated: 2023-04-07. Review status: criteria provided, single submitter. Criteria: Invitae Variant Classification Sherloc (09022015). Collection method: clinical testing. Allele origin: germline.
Comment: In summary, the available evidence is currently insufficient to determine the role of this variant in disease. Therefore, it has been classified as a Variant of Uncertain Significance. Advanced modeling of protein sequence and biophysical properties (such as structural, functional, and spatial information, amino acid conservation, physicochemical variation, residue mobility, and thermodynamic stability) performed at Invitae indicates that this missense variant is not expected to disrupt PMS2 protein function. ClinVar contains an entry for this variant (Variation ID: 135945). This variant has not been reported in the literature in individuals affected with PMS2-related conditions. This variant is not present in population databases (gnomAD no frequency). This sequence change replaces serine, which is neutral and polar, with asparagine, which is neutral and polar, at codon 258 of the PMS2 protein (p.Ser258Asn).

GeneDx
Classification: Uncertain significance. Last evaluated: 2016-07-11. Review status: criteria provided, single submitter. Criteria: GeneDx Variant Classification (06012015). Collection method: clinical testing. Allele origin: germline. Affected: yes.
Comment: This variant is denoted PMS2 c.773G>A at the cDNA level, p.Ser258Asn (S258N) at the protein level, and results in the change of a Serine to an Asparagine (AGC>AAC). This variant has not, to our knowledge, been published in the literature as pathogenic or benign. PMS2 Ser258Asn was not observed in approximately 6,500 individuals of European and African American ancestry in the NHLBI Exome Sequencing Project, suggesting it is not a common benign variant in these populations. Since Serine and Asparagine share similar properties, this is considered a conservative amino acid substitution. PMS2 Ser258Asn occurs at a position that is not conserved and is located in the ATPase domain (Fukui 2011). In silico analyses predict that this variant is unlikely to alter protein structure or function. Based on currently available evidence, it is unclear whether PMS2 Ser258Asn is a pathogenic or benign variant. We consider it to be a variant of uncertain significance.

NM_000535.7(PMS2):c.773G>A (p.Ser258Asn)

Gene: PMS2 (PMS1 homolog 2, mismatch repair system component; minus strand). Cytogenetic location: 7p22.1.
Variant type: single nucleotide variant.
Coding change: c.773G>A on transcript NM_000535.7 (MANE Select); coding-DNA position 773, G replaced by A.
Protein change: p.Ser258Asn; replaces serine 258 with asparagine.
Molecular consequence: missense variant. On other transcripts: 5 prime UTR variant (2), non-coding transcript variant (1).
Genome position (GRCh38, 1-based): chr7:5,997,356, C>T on the plus strand (G>A on the coding strand, the complement: PMS2 is on the minus strand). VCF-style: chr7-5997356-C-T. GRCh37 (hg19) VCF-style: chr7-6036987-C-T.
Other names: c.368G>A, p.Ser123Asn (NM_001322003.2, NM_001322004.2, NM_001322005.2 and 2 more transcripts); c.773G>A, p.Ser258Asn (NM_001322006.2, NM_001322014.2); c.455G>A, p.Ser152Asn (NM_001322007.2, NM_001322008.2); c.-161G>A (NM_001322011.2, NM_001322012.2); c.200G>A, p.Ser67Asn (NM_001322013.2); c.464G>A, p.Ser155Asn (NM_001322015.2); short protein forms S258N, S152N, S123N, S67N, S155N.
Identifiers: ClinVar variation 135945 (VCV000135945.23), dbSNP rs587780727, ClinGen allele CA012789.